The following is an entry in ClinVar:

NM_004006.3(DMD):c.8777A>G (p.Gln2926Arg)

Gene: DMD (dystrophin; minus strand). Cytogenetic location: Xp21.2.
Variant type: single nucleotide variant.
Coding change: c.8777A>G on transcript NM_004006.3 (MANE Select); coding-DNA position 8777, A replaced by G.
Protein change: p.Gln2926Arg; replaces glutamine 2926 with arginine.
Molecular consequence: missense variant.
Genome position (GRCh38, 1-based): chrX:31,478,266, T>C on the plus strand (A>G on the coding strand, the complement: DMD is on the minus strand). VCF-style: chrX-31478266-T-C. GRCh37 (hg19) VCF-style: chrX-31496383-T-C.
Other names: c.8753A>G, p.Gln2918Arg (NM_000109.4); c.8765A>G, p.Gln2922Arg (NM_004009.3); c.8408A>G, p.Gln2803Arg (NM_004010.3); c.4754A>G, p.Gln1585Arg (NM_004011.4); c.4745A>G, p.Gln1582Arg (NM_004012.4); c.1397A>G, p.Gln466Arg (NM_004013.3, NM_004020.4, NM_004021.3 and 2 more transcripts); c.590A>G, p.Gln197Arg (NM_004014.3); short protein forms Q1582R, Q1585R, Q197R, Q2803R, Q2918R, Q2922R, Q2926R, Q466R.
Identifiers: ClinVar variation 3614689 (VCV003614689.2).

ClinVar aggregate classification (germline): Uncertain significance (1 of 4 stars; one submission).

Conditions:
Duchenne muscular dystrophy (DMD). Also called: MUSCULAR DYSTROPHY, PSEUDOHYPERTROPHIC PROGRESSIVE, DUCHENNE TYPE; Duchenne Muscular Dystrophy (DMD). Identifiers: Orphanet 98896, MedGen C0013264, MONDO:0010679, OMIM 310200.

gnomAD v4.1: 2 of 1,211,618 alleles (0.00017%); highest among the groups gnomAD compares: South Asian, 0.0018%; no homozygotes.

Submission:

Labcorp Genetics (formerly Invitae), Labcorp
Classification: Uncertain significance for Duchenne muscular dystrophy. Last evaluated: 2024-04-22. Review status: criteria provided, single submitter. Criteria: Invitae Variant Classification Sherloc (09022015). Collection method: clinical testing. Allele origin: germline.
Comment: This sequence change replaces glutamine, which is neutral and polar, with arginine, which is basic and polar, at codon 2926 of the DMD protein (p.Gln2926Arg). This variant is not present in population databases (gnomAD no frequency). This variant has not been reported in the literature in individuals affected with DMD-related conditions. Advanced modeling of protein sequence and biophysical properties (such as structural, functional, and spatial information, amino acid conservation, physicochemical variation, residue mobility, and thermodynamic stability) performed at Invitae indicates that this missense variant is not expected to disrupt DMD protein function with a negative predictive value of 95%. In summary, the available evidence is currently insufficient to determine the role of this variant in disease. Therefore, it has been classified as a Variant of Uncertain Significance.